The following is an entry in ClinVar:

NM_000179.3(MSH6):c.1871dup (p.Ser625fs)

Gene: MSH6 (mutS homolog 6; plus strand). Cytogenetic location: 2p16.3.
Variant type: Duplication.
Coding change: c.1871dup on transcript NM_000179.3 (MANE Select); coding-DNA position 1871, one base duplicated (G; older notation c.1871dupG).
Protein change: p.Ser625fs; shifts the reading frame from serine 625.
Molecular consequence: frameshift variant. On other transcripts: non-coding transcript variant (5), intron variant (2).
Genome position (GRCh38, 1-based): chr2:47,799,854, G duplicated; the last of 2 consecutive G bases (chr2:47,799,853-47,799,854); duplicating either gives the same sequence. VCF-style (leftmost placement, unchanged base first): chr2-47799852-C-CG. GRCh37 (hg19) VCF-style: chr2-48026991-C-CG.
Other names: c.1481dup, p.Ser495fs (NM_001281492.2); c.965dup, p.Ser323fs (NM_001281493.2, NM_001281494.2, NM_001406811.1 and 6 more transcripts); c.1967dup, p.Ser657fs (NM_001406795.1, NM_001406802.1); c.1871dup, p.Ser625fs (NM_001406796.1, NM_001406798.1, NM_001406800.1 and 3 more transcripts); c.1574dup, p.Ser526fs (NM_001406797.1, NM_001406801.1, NM_001406805.1 and 10 more transcripts); c.1346dup, p.Ser450fs (NM_001406799.1, NM_001406806.1, NM_001406807.1); c.1793dup, p.Ser599fs (NM_001406804.1); c.1877dup, p.Ser627fs (NM_001406813.1); and 3 more; short protein forms S323fs, S450fs, S495fs, S526fs, S569fs, S599fs, S625fs, S627fs.
Identifiers: ClinVar variation 3602787 (VCV003602787.2).

ClinVar aggregate classification (germline): Likely pathogenic (1 of 4 stars; one submission).

Conditions:
Lynch syndrome. Identifiers: Orphanet 144, MedGen C4552100, MONDO:0005835. Disease mechanism: loss of function.

Submission:

Department of Clinical Genetics, Copenhagen University Hospital, Rigshospitalet
Classification: Likely pathogenic for Lynch syndrome. Last evaluated: 2025-02-04. Review status: criteria provided, single submitter. Criteria: ACMG Guidelines, 2015. Collection method: clinical testing. Allele origin: germline.
Comment: PVS1; PM2_SUP;